The following is an entry in ClinVar:

ClinVar aggregate classification (germline): Uncertain significance (1 of 4 stars; one submission).

Conditions:
Surfactant metabolism dysfunction, pulmonary, 4 (SMDP4). Also called: PAP DUE TO CSF2RA DEFICIENCY; PULMONARY ALVEOLAR PROTEINOSIS, CONGENITAL, 4; CSF2RA DEFICIENCY. Identifiers: Orphanet 264675, MedGen C2677877, MONDO:0010424, OMIM 300770.

Allele frequency attached by ClinVar (database versions not stated): gnomAD 0.00001; TOPMed 0.00001; ExAC 0.00002; gnomAD exomes 0.00002; ESP Exome Variant Server 0.00008.
gnomAD v4.1: 36 of 1,613,248 alleles (0.0022%); highest among the groups gnomAD compares: Non-Finnish European, 0.0027%; no homozygotes.

Submission:

Labcorp Genetics (formerly Invitae), Labcorp
Classification: Uncertain significance for Surfactant metabolism dysfunction, pulmonary, 4. Last evaluated: 2021-11-12. Review status: criteria provided, single submitter. Criteria: Invitae Variant Classification Sherloc (09022015). Collection method: clinical testing. Allele origin: germline.
Comment: This sequence change replaces arginine, which is basic and polar, with glutamine, which is neutral and polar, at codon 217 of the CSF2RA protein (p.Arg217Gln). This variant is present in population databases (no rsID available, gnomAD 0.007%). This variant has not been reported in the literature in individuals affected with CSF2RA-related conditions. Algorithms developed to predict the effect of missense changes on protein structure and function output the following: SIFT: "Tolerated"; PolyPhen-2: "Not Available"; Align-GVGD: "Class C0". The glutamine amino acid residue is found in multiple mammalian species, which suggests that this missense change does not adversely affect protein function. In summary, the available evidence is currently insufficient to determine the role of this variant in disease. Therefore, it has been classified as a Variant of Uncertain Significance.

NM_172245.4(CSF2RA):c.650G>A (p.Arg217Gln)

Gene: CSF2RA (colony stimulating factor 2 receptor subunit alpha; plus strand). Cytogenetic location: Xp22.33.
Variant type: single nucleotide variant.
Coding change: c.650G>A on transcript NM_172245.4 (MANE Select); coding-DNA position 650, G replaced by A.
Protein change: p.Arg217Gln; replaces arginine 217 with glutamine.
Molecular consequence: missense variant. On other transcripts: non-coding transcript variant (1), intron variant (2).
Genome position (GRCh38, 1-based): chrX:1,294,331, G>A. VCF-style: chrX-1294331-G-A. GRCh37 (hg19) VCF-style: chrX-1413224-G-A.
Other names: c.650G>A, p.Arg217Gln (NM_001161529.2, NM_001161530.2, NM_001161531.2 and 19 more transcripts); c.251G>A, p.Arg84Gln (NM_001161532.2); c.646+3822G>A (NM_172249.4); c.647-16G>A (NM_001379166.1); short protein forms R84Q, R217Q.
Identifiers: ClinVar variation 2198947 (VCV002198947.1), dbSNP rs147844397, ClinGen allele CA10330935.